The following is an entry in ClinVar:

ClinVar aggregate classification (germline): Uncertain significance (1 of 4 stars; one submission).

Conditions:
Inborn genetic diseases. Identifiers: MedGen C0950123, MeSH D030342.

gnomAD v4.1: 5 of 1,614,008 alleles (0.00031%); highest among the groups gnomAD compares: Non-Finnish European, 0.00042%; no homozygotes.

Submission:

Ambry Genetics
Classification: Uncertain significance for Inborn genetic diseases. Last evaluated: 2025-02-16. Review status: criteria provided, single submitter. Criteria: Ambry Variant Classification Scheme 2023. Collection method: clinical testing. Allele origin: germline.
Comment: The p.T745P variant (also known as c.2233A>C), located in coding exon 8 of the MECOM gene, results from an A to C substitution at nucleotide position 2233. The threonine at codon 745 is replaced by proline, an amino acid with highly similar properties. This amino acid position is conserved. In addition, the in silico prediction for this alteration is inconclusive. Based on the available evidence, the clinical significance of this variant remains unclear.

NM_004991.4(MECOM):c.2233A>C (p.Thr745Pro)

Gene: MECOM (MDS1 and EVI1 complex locus; minus strand). Cytogenetic location: 3q26.2.
Variant type: single nucleotide variant.
Coding change: c.2233A>C on transcript NM_004991.4 (MANE Select); coding-DNA position 2233, A replaced by C.
Protein change: p.Thr745Pro; replaces threonine 745 with proline.
Molecular consequence: missense variant.
Genome position (GRCh38, 1-based): chr3:169,115,639, T>G on the plus strand (A>C on the coding strand, the complement: MECOM is on the minus strand). VCF-style: chr3-169115639-T-G. GRCh37 (hg19) VCF-style: chr3-168833427-T-G.
Other names: c.1864A>C, p.Thr622Pro (NM_001105077.4); c.1669A>C, p.Thr557Pro (NM_001105078.4, NM_001164000.2, NM_001205194.2 and 4 more transcripts); c.1672A>C, p.Thr558Pro (NM_001163999.2, NM_001366467.2, NM_001366468.2 and 1 more transcripts); c.2233A>C, p.Thr745Pro (NM_001366466.2); c.1261A>C, p.Thr421Pro (NM_001366473.2); c.697A>C, p.Thr233Pro (NM_001366474.2); short protein forms T233P, T421P, T622P, T745P, T557P, T558P.
Identifiers: ClinVar variation 3871840 (VCV003871840.1).